The following is an entry in ClinVar:

ClinVar aggregate classification (germline): Uncertain significance. Review status: criteria provided, multiple submitters, no conflicts (2 of 4 stars). 2 submissions from 2 submitters: Uncertain significance (2). Last evaluated 2026-08-06.

Conditions:
Charcot-Marie-Tooth disease X-linked dominant 1. Also called: Charcot-Marie-Tooth Neuropathy X Type 1; GJB1 Disorders: Charcot-Marie-Tooth Neuropathy (CMT1X) and Central Nervous System Phenotypes; CHARCOT-MARIE-TOOTH NEUROPATHY, X-LINKED, 1; CHARCOT-MARIE-TOOTH PERONEAL MUSCULAR ATROPHY, X-LINKED; HEREDITARY MOTOR AND SENSORY NEUROPATHY, X-LINKED; HMSN, X-LINKED. Identifiers: Orphanet 101075, MedGen C0393808, MONDO:0010549, OMIM 302800.
Charcot-Marie-Tooth Neuropathy X. Identifiers: MedGen CN118851.

gnomAD v4.1: 4 of 1,184,997 alleles (0.00034%); highest among the groups gnomAD compares: Non-Finnish European, 0.00045%; no homozygotes.

Submissions (2):

OLLIN Analises Genomicas, OLLIN
Classification: Uncertain significance for Charcot-Marie-Tooth disease X-linked dominant 1. Last evaluated: 2026-08-06. Review status: criteria provided, single submitter. Criteria: ACMG Guidelines 2015 PMID 25741868. Collection method: clinical testing. Allele origin: germline. Inheritance: X-linked inheritance.
Comment: This missense variant, located in exon 2 (of 2), has been reported in ClinVar (accession VCV000637203.5) and in gnomAD with an allele frequency of 0.00034%. However, to our knowledge, it has not been reported in the scientific literature. In silico analysis is inconclusive regarding the impact of this variant. According to the currently available evidence, this variant has been classified as uncertain significance (PM2_P).

Labcorp Genetics (formerly Invitae), Labcorp
Classification: Uncertain significance for Charcot-Marie-Tooth Neuropathy X. Last evaluated: 2021-11-15. Review status: criteria provided, single submitter. Criteria: Invitae Variant Classification Sherloc (09022015). Collection method: clinical testing. Allele origin: germline.
Comment: This sequence change replaces serine, which is neutral and polar, with leucine, which is neutral and non-polar, at codon 281 of the GJB1 protein (p.Ser281Leu). The frequency data for this variant in the population databases is considered unreliable, as metrics indicate poor data quality at this position in the gnomAD database. This variant has not been reported in the literature in individuals affected with GJB1-related conditions. Algorithms developed to predict the effect of missense changes on protein structure and function are either unavailable or do not agree on the potential impact of this missense change (SIFT: "Deleterious"; PolyPhen-2: "Probably Damaging"; Align-GVGD: "Class C0"). In summary, the available evidence is currently insufficient to determine the role of this variant in disease. Therefore, it has been classified as a Variant of Uncertain Significance.

NM_000166.6(GJB1):c.842C>T (p.Ser281Leu)

Gene: GJB1 (gap junction protein beta 1; plus strand). Cytogenetic location: Xq13.1.
Variant type: single nucleotide variant.
Coding change: c.842C>T on transcript NM_000166.6 (MANE Select); coding-DNA position 842, C replaced by T.
Protein change: p.Ser281Leu; replaces serine 281 with leucine.
Molecular consequence: missense variant.
Genome position (GRCh38, 1-based): chrX:71,224,549, C>T. VCF-style: chrX-71224549-C-T. GRCh37 (hg19) VCF-style: chrX-70444399-C-T.
Other names: c.842C>T, p.Ser281Leu (NM_001097642.3); short protein forms S281L.
Identifiers: ClinVar variation 1403575 (VCV001403575.4), dbSNP rs866253945, ClinGen allele CA330997863.